The following is an entry in ClinVar:

ClinVar aggregate classification (germline): Conflicting classifications of pathogenicity. Review status: criteria provided, conflicting classifications (1 of 4 stars). 5 submissions from 5 submitters: Uncertain significance (2); Likely benign (3). Last evaluated 2026-09-01.

Conditions:
Holoprosencephaly 12 with or without pancreatic agenesis. Identifiers: MedGen C5193131, MONDO:0032787, OMIM 618500.
Inborn genetic diseases. Identifiers: MedGen C0950123, MeSH D030342.

Allele frequency attached by ClinVar (database versions not stated): ESP Exome Variant Server 0.00008; ExAC 0.00012; gnomAD 0.00015; 1000 Genomes Project 30x 0.00016; TOPMed 0.00019; 1000 Genomes Project 0.00020.
gnomAD v4.1: 354 of 1,609,836 alleles (0.022%); highest among the groups gnomAD compares: Non-Finnish European, 0.028%; no homozygotes.

Submissions (5):

CeGaT Center for Human Genetics Tuebingen
Classification: Likely benign. Last evaluated: 2026-09-01. Review status: criteria provided, single submitter. Criteria: CeGaT Center For Human Genetics Tuebingen Variant Classification Criteria Version 2. Collection method: clinical testing. Allele origin: germline. Affected: yes. Observed: 1 variant allele.
Comment: CNOT1: BS2

Labcorp Genetics (formerly Invitae), Labcorp
Classification: Uncertain significance. Last evaluated: 2024-11-11. Review status: criteria provided, single submitter. Criteria: Invitae Variant Classification Sherloc (09022015). Collection method: clinical testing. Allele origin: germline.
Comment: This sequence change replaces arginine, which is basic and polar, with glutamine, which is neutral and polar, at codon 443 of the CNOT1 protein (p.Arg443Gln). This variant is present in population databases (rs201713384, gnomAD 0.03%). This variant has not been reported in the literature in individuals affected with CNOT1-related conditions. ClinVar contains an entry for this variant (Variation ID: 2200469). An algorithm developed to predict the effect of missense changes on protein structure and function (PolyPhen-2) suggests that this variant¬†is likely to be tolerated. In summary, the available evidence is currently insufficient to determine the role of this variant in disease. Therefore, it has been classified as a Variant of Uncertain Significance.

Blueprint Genetics
Classification: Likely benign. Last evaluated: 2024-09-06. Review status: criteria provided, single submitter. Criteria: ACMG Guidelines, 2015. Collection method: clinical testing. Allele origin: germline.

Ambry Genetics
Classification: Likely benign for Inborn genetic diseases. Last evaluated: 2022-12-06. Review status: criteria provided, single submitter. Criteria: Ambry Variant Classification Scheme 2023. Collection method: clinical testing. Allele origin: germline.

Department of Pathology and Laboratory Medicine, Sinai Health System
Classification: Uncertain significance for holoprosencephaly 12 with or without pancreatic agenesis. Last evaluated: 2022-05-16. Review status: criteria provided, single submitter. Criteria: ACMG Guidelines, 2015. Collection method: research. Allele origin: germline.

NM_016284.5(CNOT1):c.1328G>A (p.Arg443Gln)

Gene: CNOT1 (CCR4-NOT transcription complex subunit 1; minus strand). Cytogenetic location: 16q21.
Variant type: single nucleotide variant.
Coding change: c.1328G>A on transcript NM_016284.5 (MANE Select); coding-DNA position 1328, G replaced by A.
Protein change: p.Arg443Gln; replaces arginine 443 with glutamine.
Molecular consequence: missense variant. On other transcripts: non-coding transcript variant (1).
Genome position (GRCh38, 1-based): chr16:58,580,648, C>T on the plus strand (G>A on the coding strand, the complement: CNOT1 is on the minus strand). VCF-style: chr16-58580648-C-T. GRCh37 (hg19) VCF-style: chr16-58614552-C-T.
Other names: c.1328G>A, p.Arg443Gln (NM_001265612.2, NM_206999.3); c.1328G>A (NM_016284.3); short protein forms R443Q.
Identifiers: ClinVar variation 2200469 (VCV002200469.7), dbSNP rs201713384, ClinGen allele CA8089951.